The following is an entry in ClinVar:

NM_000219.6(KCNE1):c.165C>G (p.Gly55=)

Gene: KCNE1 (potassium voltage-gated channel subfamily E regulatory subunit 1; minus strand). Cytogenetic location: 21q22.12.
Variant type: single nucleotide variant.
Coding change: c.165C>G on transcript NM_000219.6 (MANE Select); coding-DNA position 165, C replaced by G.
Protein change: p.Gly55=; no amino-acid change (glycine 55 retained).
Molecular consequence: synonymous variant.
Genome position (GRCh38, 1-based): chr21:34,449,470, G>C on the plus strand (C>G on the coding strand, the complement: KCNE1 is on the minus strand). VCF-style: chr21-34449470-G-C. GRCh37 (hg19) VCF-style: chr21-35821768-G-C.
Other names: c.165C>G, p.Gly55= (NM_001127668.4, NM_001127669.4, NM_001127670.4 and 4 more transcripts).
Identifiers: ClinVar variation 3374218 (VCV003374218.2).

Conditions:
Long QT syndrome 5 (LQT5). Identifiers: Orphanet 101016, Orphanet 768, MedGen C1867904, MONDO:0013372, OMIM 613695.

Submission:

Roden Lab, Vanderbilt University Medical Center
No classification provided (evidence only). Condition: Long QT syndrome 5. Review status: no classification provided. Collection method: in vitro. Allele origin: not applicable. Functional consequence: Effect on ion channel function.
ClinVar note: "not provided" was previously submitted as the classification for the variant. However, the classification appeared to be based only on an observation of functional data so it was converted to no classification on 2025-07-30.